The following is an entry in ClinVar:

ClinVar aggregate classification (germline): Benign (1 of 4 stars; one submission).

Conditions:
Familial cancer of breast. Also called: hereditary breast carcinoma; Hereditary breast cancer; BREAST CANCER, FAMILIAL. Identifiers: Orphanet 227535, MedGen C0346153, MONDO:0016419, OMIM 114480. Disease mechanism: loss of function.

Submission:

Myriad Genetics, Inc.
Classification: Benign for Familial cancer of breast. Last evaluated: 2024-07-30. Review status: criteria provided, single submitter. Criteria: Myriad Autosomal Dominant, Autosomal Recessive and X-Linked Classification Criteria (2023). Collection method: clinical testing. Allele origin: unknown.
Comment: This variant is considered benign. This variant is a silent/synonymous amino acid change and it is not expected to impact splicing.

NM_000465.4(BARD1):c.2148C>A (p.Thr716=)

Gene: BARD1 (BRCA1 associated RING domain 1; minus strand). Cytogenetic location: 2q35.
Variant type: single nucleotide variant.
Coding change: c.2148C>A on transcript NM_000465.4 (MANE Select); coding-DNA position 2148, C replaced by A.
Protein change: p.Thr716=; no amino-acid change (threonine 716 retained).
Molecular consequence: synonymous variant. On other transcripts: non-coding transcript variant (3).
Genome position (GRCh38, 1-based): chr2:214,728,862, G>T on the plus strand (C>A on the coding strand, the complement: BARD1 is on the minus strand). VCF-style: chr2-214728862-G-T. GRCh37 (hg19) VCF-style: chr2-215593586-G-T.
Other names: c.2091C>A, p.Thr697= (NM_001282543.2); c.795C>A, p.Thr265= (NM_001282545.2); c.738C>A, p.Thr246= (NM_001282548.2); c.609C>A, p.Thr203= (NM_001282549.2).
Identifiers: ClinVar variation 3378567 (VCV003378567.1).